The following is an entry in ClinVar:

NM_004415.4(DSP):c.1701G>A (p.Lys567=)

Gene: DSP (desmoplakin; plus strand). Cytogenetic location: 6p24.3.
Variant type: single nucleotide variant.
Coding change: c.1701G>A on transcript NM_004415.4 (MANE Select); coding-DNA position 1701, G replaced by A.
Protein change: p.Lys567=; no amino-acid change (lysine 567 retained).
Molecular consequence: synonymous variant.
Genome position (GRCh38, 1-based): chr6:7,570,563, G>A. VCF-style: chr6-7570563-G-A. GRCh37 (hg19) VCF-style: chr6-7570796-G-A.
Other names: c.1701G>A, p.Lys567= (NM_001008844.3, NM_001319034.2).
Identifiers: ClinVar variation 3748981 (VCV003748981.2).

ClinVar aggregate classification (germline): Uncertain significance (1 of 4 stars; one submission).

Conditions:
Arrhythmogenic cardiomyopathy with wooly hair and keratoderma. Also called: PALMOPLANTAR KERATODERMA WITH LEFT VENTRICULAR CARDIOMYOPATHY AND WOOLLY HAIR; Dilated cardiomyopathy with woolly hair and keratoderma; Carvajal syndrome; Arrhythmogenic cardiomyopathy with woolly hair and keratoderma. Identifiers: Orphanet 65282, MedGen C1854063, MONDO:0011581, OMIM 605676.
Arrhythmogenic right ventricular dysplasia 8 (ARVD8). Also called: Arrhythmogenic Right Ventricular Dysplasia/Cardiomyopathy 8; ARRHYTHMOGENIC RIGHT VENTRICULAR DYSPLASIA, FAMILIAL, 8; ARRHYTHMOGENIC RIGHT VENTRICULAR CARDIOMYOPATHY 8. Identifiers: MedGen C1843896, MONDO:0011831, OMIM 607450.

Submission:

Labcorp Genetics (formerly Invitae), Labcorp
Classification: Uncertain significance for Arrhythmogenic cardiomyopathy with wooly hair and keratoderma; Arrhythmogenic right ventricular dysplasia 8. Last evaluated: 2024-04-15. Review status: criteria provided, single submitter. Criteria: Invitae Variant Classification Sherloc (09022015). Collection method: clinical testing. Allele origin: germline.
Comment: This sequence change affects codon 567 of the DSP mRNA. It is a 'silent' change, meaning that it does not change the encoded amino acid sequence of the DSP protein. This variant also falls at the last nucleotide of exon 13, which is part of the consensus splice site for this exon. This variant is not present in population databases (gnomAD no frequency). This variant has not been reported in the literature in individuals affected with DSP-related conditions. Variants that disrupt the consensus splice site are a relatively common cause of aberrant splicing (PMID: 17576681, 9536098). Algorithms developed to predict the effect of sequence changes on RNA splicing suggest that this variant is not likely to affect RNA splicing. In summary, the available evidence is currently insufficient to determine the role of this variant in disease. Therefore, it has been classified as a Variant of Uncertain Significance.

Literature cited by the submitters: PubMed 17576681; PubMed 9536098.